The following is an entry in ClinVar:

NM_000548.5(TSC2):c.5061C>T (p.Cys1687=)

Gene: TSC2 (TSC complex subunit 2; plus strand). Cytogenetic location: 16p13.3.
Variant type: single nucleotide variant.
Coding change: c.5061C>T on transcript NM_000548.5 (MANE Select); coding-DNA position 5061, C replaced by T.
Protein change: p.Cys1687=; no amino-acid change (cysteine 1687 retained).
Molecular consequence: synonymous variant.
Genome position (GRCh38, 1-based): chr16:2,087,934, C>T. VCF-style: chr16-2087934-C-T. GRCh37 (hg19) VCF-style: chr16-2137935-C-T.
Other names: c.5061C>T (NM_000548.4); c.4860C>T, p.Cys1620= (NM_001077183.3); c.4992C>T, p.Cys1664= (NM_001114382.3); c.4752C>T, p.Cys1584= (NM_001318827.2); c.4716C>T, p.Cys1572= (NM_001318829.2); c.4329C>T, p.Cys1443= (NM_001318831.2); c.4893C>T, p.Cys1631= (NM_001318832.2); c.4863C>T, p.Cys1621= (NM_001363528.2); and 2 more.
Identifiers: ClinVar variation 468135 (VCV000468135.21), dbSNP rs779923426, ClinGen allele CA053639.
Genomic context (GRCh38, chr16:2,087,934, plus strand): 5'-CTTTGTCCACGTGATCGTCACCCCGCTGGACTACGAGTGCAACCTGGTGTCCCTGCAGTG[C>T]AGGAAAGGTAGGGCCGGGTGGGGCCCTGCAGTGCAGGAAAGGTAGGGCCGGGTGGGGCCC-3'
Protein context (NP_000539.2, residues 1677-1697): DYECNLVSLQ[Cys1687=]RKDMEGLVDT

ClinVar aggregate classification (germline): Benign/Likely benign. Review status: criteria provided, multiple submitters, no conflicts (2 of 4 stars). 7 submissions from 7 submitters: Benign (2); Likely benign (5). Last evaluated 2025-09-13.

Conditions:
Tuberous sclerosis 2 (TSC2). Identifiers: Orphanet 805, MedGen C1860707, MONDO:0013199, OMIM 613254.
Hereditary cancer-predisposing syndrome. Also called: Hereditary neoplastic syndrome; Neoplastic Syndromes, Hereditary; Tumor predisposition; Hereditary Cancer Syndrome. Identifiers: Orphanet 140162, MedGen C0027672, MeSH D009386, MONDO:0015356.
Tuberous sclerosis syndrome (TSC). Also called: Tuberous Sclerosis Complex; Tuberous sclerosis. Identifiers: Orphanet 805, MedGen C0041341, MONDO:0001734.

Allele frequency attached by ClinVar (database versions not stated): ExAC 0.00001; gnomAD 0.00001; gnomAD exomes 0.00001; TOPMed 0.00001.
gnomAD v4.1: 11 of 1,604,986 alleles (0.00069%); highest among the groups gnomAD compares: African/African-American, 0.0013%; no homozygotes.

Submissions (7):

Labcorp Genetics (formerly Invitae), Labcorp
Classification: Likely benign for Tuberous sclerosis 2. Last evaluated: 2025-09-13. Review status: criteria provided, single submitter. Criteria: Invitae Variant Classification Sherloc (09022015). Collection method: clinical testing. Allele origin: germline.

Myriad Genetics, Inc.
Classification: Benign for Tuberous sclerosis 2. Last evaluated: 2025-06-05. Review status: criteria provided, single submitter. Criteria: Myriad Autosomal Dominant, Autosomal Recessive and X-Linked Classification Criteria (2023). Collection method: clinical testing. Allele origin: unknown.
Comment: This variant is considered benign. This variant is a silent/synonymous amino acid change and it is not expected to impact splicing.

All of Us Research Program, National Institutes of Health
Classification: Likely benign for Tuberous sclerosis syndrome. Last evaluated: 2023-10-02. Review status: criteria provided, single submitter. Criteria: ACMG Guidelines, 2015. Collection method: clinical testing. Allele origin: germline. Inheritance: Autosomal dominant inheritance. Observed: 2 variant alleles, 2 heterozygotes.
Comment: This study involves interpretation of variants in research participants for the purpose of population health screening. Participant phenotype was not available at the time of variant classification. Additional details can be found in publication PMID: 35346344, PMCID: PMC8962531

KCCC/NGS Laboratory, Kuwait Cancer Control Center
Classification: Likely benign for Tuberous sclerosis 2. Last evaluated: 2023-07-07. Review status: criteria provided, single submitter. Criteria: ACMG Guidelines, 2015. Collection method: clinical testing. Allele origin: germline. Affected: yes.

Color Diagnostics, LLC DBA Color Health
Classification: Likely benign for Tuberous sclerosis syndrome. Last evaluated: 2022-11-06. Review status: criteria provided, single submitter. Criteria: ACMG Guidelines, 2015. Collection method: clinical testing. Allele origin: germline.

Genome-Nilou Lab
Classification: Benign for Tuberous sclerosis 2. Last evaluated: 2021-11-07. Review status: criteria provided, single submitter. Criteria: ACMG Guidelines, 2015. Collection method: clinical testing. Allele origin: germline. Affected: no.

Ambry Genetics
Classification: Likely benign for Hereditary cancer-predisposing syndrome. Last evaluated: 2019-05-29. Review status: criteria provided, single submitter. Criteria: Ambry Variant Classification Scheme 2023. Collection method: clinical testing. Allele origin: germline.